The following is an entry in ClinVar:

NM_000051.4(ATM):c.4436+7A>C

Gene: ATM (ATM serine/threonine kinase; plus strand). Cytogenetic location: 11q22.3.
Variant type: single nucleotide variant.
Coding change: c.4436+7A>C on transcript NM_000051.4 (MANE Select); 7 bases into the intron after coding-DNA position 4436, A replaced by C.
Molecular consequence: intron variant.
Genome position (GRCh38, 1-based): chr11:108,289,808, A>C. VCF-style: chr11-108289808-A-C. GRCh37 (hg19) VCF-style: chr11-108160535-A-C.
Other names: c.4436+7A>C (NM_001351834.2).
Identifiers: ClinVar variation 3253946 (VCV003253946.1), dbSNP rs749971237.

ClinVar aggregate classification (germline): Likely benign (1 of 4 stars; one submission).

Conditions:
Familial cancer of breast. Also called: BREAST CANCER, FAMILIAL; Hereditary breast cancer; hereditary breast carcinoma. Identifiers: Orphanet 227535, MedGen C0346153, MONDO:0016419, OMIM 114480. Disease mechanism: loss of function.

Allele frequency attached by ClinVar (database versions not stated): gnomAD exomes below 0.00001; ExAC 0.00001.
gnomAD v4.1: 1 of 1,609,894 alleles (0.000062%); highest among the groups gnomAD compares: Non-Finnish European, 0.000085%; no homozygotes.

Submission:

Myriad Genetics, Inc.
Classification: Likely benign for Familial cancer of breast. Last evaluated: 2024-05-17. Review status: criteria provided, single submitter. Criteria: Myriad Autosomal Dominant, Autosomal Recessive and X-Linked Classification Criteria (2023). Collection method: clinical testing. Allele origin: unknown.
Comment: This variant is considered likely benign. This variant is intronic and is not expected to impact mRNA splicing.